The following is an entry in ClinVar:

ClinVar aggregate classification (germline): Uncertain significance. Review status: criteria provided, multiple submitters, no conflicts (2 of 4 stars). 4 submissions from 4 submitters: Uncertain significance (4). Last evaluated 2026-03-25.

Conditions:
Inborn genetic diseases. Identifiers: MedGen C0950123, MeSH D030342.
Ehlers-Danlos syndrome, dermatosparaxis type. Also called: EDS VIIC; Dermatosparaxis; Ehlers-Danlos syndrome, type VII, autosomal recessive. Identifiers: Orphanet 1901, MedGen C2700425, MONDO:0009161, OMIM 225410.

Allele frequency attached by ClinVar (database versions not stated): ExAC 0.00001; TOPMed 0.00002; gnomAD 0.00003.
gnomAD v4.1: 31 of 1,613,908 alleles (0.0019%); highest among the groups gnomAD compares: Non-Finnish European, 0.0023%; no homozygotes.

Submissions (4):

Women's Health and Genetics/Laboratory Corporation of America, LabCorp
Classification: Uncertain significance. Last evaluated: 2026-03-25. Review status: criteria provided, single submitter. Criteria: LabCorp Variant Classification Summary - May 2015. Collection method: clinical testing. Allele origin: germline.
Comment: Variant summary: ADAMTS2 c.2407C>T (p.Arg803Trp) results in a non-conservative amino acid change in the encoded protein sequence. Algorithms developed to predict the effect of missense changes on protein structure and function are either unavailable or do not agree on the potential impact of this missense change. The variant allele was found at a frequency of 8e-06 in 251112 control chromosomes. The available data on variant occurrences in the general population are insufficient to allow any conclusion about variant significance. To our knowledge, no occurrence of c.2407C>T in individuals affected with ADAMTS2-related conditions and no experimental evidence demonstrating its impact on protein function have been reported. ClinVar contains an entry for this variant (Variation ID: 2050104). Based on the evidence outlined above, the variant was classified as uncertain significance.

Ambry Genetics
Classification: Uncertain significance for Inborn genetic diseases. Last evaluated: 2024-06-02. Review status: criteria provided, single submitter. Criteria: Ambry Variant Classification Scheme 2023. Collection method: clinical testing. Allele origin: germline.

Mayo Clinic Laboratories, Mayo Clinic
Classification: Uncertain significance. Last evaluated: 2024-03-21. Review status: criteria provided, single submitter. Criteria: ACMG Guidelines, 2015. Collection method: clinical testing. Allele origin: germline. Observed: 1 variant allele.
Comment: BP4

Labcorp Genetics (formerly Invitae), Labcorp
Classification: Uncertain significance for Ehlers-Danlos syndrome, dermatosparaxis type. Last evaluated: 2022-03-17. Review status: criteria provided, single submitter. Criteria: Invitae Variant Classification Sherloc (09022015). Collection method: clinical testing. Allele origin: germline.
Comment: This sequence change replaces arginine, which is basic and polar, with tryptophan, which is neutral and slightly polar, at codon 803 of the ADAMTS2 protein (p.Arg803Trp). This variant is present in population databases (rs767768165, gnomAD 0.003%). This variant has not been reported in the literature in individuals affected with ADAMTS2-related conditions. Algorithms developed to predict the effect of missense changes on protein structure and function (SIFT, PolyPhen-2, Align-GVGD) all suggest that this variant is likely to be disruptive. In summary, the available evidence is currently insufficient to determine the role of this variant in disease. Therefore, it has been classified as a Variant of Uncertain Significance.

NM_014244.5(ADAMTS2):c.2407C>T (p.Arg803Trp)

Gene: ADAMTS2 (ADAM metallopeptidase with thrombospondin type 1 motif 2; minus strand). Cytogenetic location: 5q35.3.
Variant type: single nucleotide variant.
Coding change: c.2407C>T on transcript NM_014244.5 (MANE Select); coding-DNA position 2407, C replaced by T.
Protein change: p.Arg803Trp; replaces arginine 803 with tryptophan.
Molecular consequence: missense variant.
Genome position (GRCh38, 1-based): chr5:179,129,982, G>A on the plus strand (C>T on the coding strand, the complement: ADAMTS2 is on the minus strand). VCF-style: chr5-179129982-G-A. GRCh37 (hg19) VCF-style: chr5-178556983-G-A.
Other names: p.Arg803Trp; c.2407C>T (NM_014244.4); short protein forms R803W.
Identifiers: ClinVar variation 2050104 (VCV002050104.4), dbSNP rs767768165, ClinGen allele CA3595569.